The following is an entry in ClinVar:

NC_000009.12:g.35658089G>A

Gene: RMRP (RNA component of mitochondrial RNA processing endoribonuclease; minus strand). Cytogenetic location: 9p13.3.
Variant type: single nucleotide variant.
Genome position: GRCh38 VCF-style: chr9-35658089-G-A. GRCh37 (hg19) VCF-style: chr9-35658086-G-A.
Identifiers: ClinVar variation 971047 (VCV000971047.6), dbSNP rs1823657206, ClinGen allele CA1123200177.
Genomic context (GRCh38, chr9:35,658,089, plus strand): 5'-CTTCACAGAGTAGTATTTTATAGCCCTAAAGAAATTGTGTTTTATGATTAGGGTGAGAAA[G>A]TTGGTGGCGTGAGATTAAAAAAACCGTTTTCGGGCATAACTTTCTAAGACTATAGGCTTT-3'

ClinVar aggregate classification (germline): Uncertain significance (1 of 4 stars; one submission).

Conditions:
Anauxetic dysplasia. Identifiers: Orphanet 93347, MedGen C1846796, MONDO:0011773.

Allele frequency attached by ClinVar (database versions not stated): gnomAD 0.00001.

Submission:

Labcorp Genetics (formerly Invitae), Labcorp
Classification: Uncertain significance for Anauxetic dysplasia. Last evaluated: 2022-02-05. Review status: criteria provided, single submitter. Criteria: Invitae Variant Classification Sherloc (09022015). Collection method: clinical testing. Allele origin: germline.
Comment: This variant occurs in the RMRP gene, which encodes an RNA molecule that does not result in a protein product. This variant is not present in population databases (gnomAD no frequency). This variant has not been reported in the literature in individuals affected with RMRP-related conditions. ClinVar contains an entry for this variant (Variation ID: 971047). Experimental studies and prediction algorithms are not available or were not evaluated, and the functional significance of this variant is currently unknown. In summary, the available evidence is currently insufficient to determine the role of this variant in disease. Therefore, it has been classified as a Variant of Uncertain Significance.